The following is an entry in ClinVar:

NM_005475.3(SH2B3):c.1009T>G (p.Ser337Ala)

Gene: SH2B3 (SH2B adaptor protein 3; plus strand). Cytogenetic location: 12q24.12.
Variant type: single nucleotide variant.
Coding change: c.1009T>G on transcript NM_005475.3 (MANE Select); coding-DNA position 1009, T replaced by G.
Protein change: p.Ser337Ala; replaces serine 337 with alanine.
Molecular consequence: missense variant.
Genome position (GRCh38, 1-based): chr12:111,447,207, T>G. VCF-style: chr12-111447207-T-G. GRCh37 (hg19) VCF-style: chr12-111885011-T-G.
Other names: p.Ser135Ala; c.403T>G, p.Ser135Ala (NM_001291424.1); short protein forms S135A, S337A.
Identifiers: ClinVar variation 3440865 (VCV003440865.3).

ClinVar aggregate classification (germline): Uncertain significance. Review status: criteria provided, multiple submitters, no conflicts (2 of 4 stars). 2 submissions from 2 submitters: Uncertain significance (2). Last evaluated 2025-04-16.

Conditions:
Inborn genetic diseases. Identifiers: MedGen C0950123, MeSH D030342.

gnomAD v4.1: 12 of 1,612,920 alleles (0.00074%); highest among the groups gnomAD compares: Non-Finnish European, 0.001%; no homozygotes.

Submissions (2):

Mayo Clinic Laboratories, Mayo Clinic
Classification: Uncertain significance. Last evaluated: 2025-04-16. Review status: criteria provided, single submitter. Criteria: ACMG Guidelines, 2015. Collection method: clinical testing. Allele origin: germline. Observed: 1 variant allele.
Comment: BP4_moderate, PM2_supporting

Ambry Genetics
Classification: Uncertain significance for Inborn genetic diseases. Last evaluated: 2024-12-12. Review status: criteria provided, single submitter. Criteria: Ambry Variant Classification Scheme 2023. Collection method: clinical testing. Allele origin: germline.
Comment: The p.S337A variant (also known as c.1009T>G), located in coding exon 4 of the SH2B3 gene, results from a T to G substitution at nucleotide position 1009. The serine at codon 337 is replaced by alanine, an amino acid with similar properties. This amino acid position is conserved. In addition, this alteration is predicted to be tolerated by in silico analysis. Based on the available evidence, the clinical significance of this variant remains unclear.